The following is an entry in ClinVar:

ClinVar aggregate classification (germline): Pathogenic (1 of 4 stars; one submission).

Submission:

Labcorp Genetics (formerly Invitae), Labcorp
Classification: Pathogenic. Last evaluated: 2023-02-09. Review status: criteria provided, single submitter. Criteria: Invitae Variant Classification Sherloc (09022015). Collection method: clinical testing. Allele origin: germline.
Comment: For these reasons, this variant has been classified as Pathogenic. This variant is not present in population databases (gnomAD no frequency). This sequence change creates a premature translational stop signal (p.Asp1243Metfs*19) in the ATR gene. It is expected to result in an absent or disrupted protein product. Loss-of-function variants in ATR are known to be pathogenic (PMID: 21228398, 23144622). This variant has not been reported in the literature in individuals affected with ATR-related conditions. ClinVar contains an entry for this variant (Variation ID: 1357123).

Literature cited by the submitters: PubMed 21228398; PubMed 23144622.

NC_000003.12:g.142536202del

Gene: ATR (ATR checkpoint kinase; minus strand). Cytogenetic location: 3q23.
Variant type: Deletion.
Genome position: GRCh38 VCF-style: chr3-142536199-TC-T. GRCh37 (hg19) VCF-style: chr3-142255041-TC-T.
Identifiers: ClinVar variation 1357123 (VCV001357123.6), dbSNP rs2108427672, ClinGen allele CA2573136612.